The following is an entry in ClinVar:

ClinVar aggregate classification (germline): Benign/Likely benign. Review status: criteria provided, multiple submitters, no conflicts (2 of 4 stars). 5 submissions from 5 submitters: Benign (1); Likely benign (4). Last evaluated 2025-01-08.

Conditions:
Lynch syndrome 5 (LYNCH5). Also called: Hereditary non-polyposis colorectal cancer, type 5; Colorectal cancer, hereditary nonpolyposis, type 5. Identifiers: Orphanet 144, MedGen C1833477, MONDO:0013710, OMIM 614350. Disease mechanism: loss of function.
Hereditary cancer-predisposing syndrome. Also called: Hereditary Cancer Syndrome; Hereditary neoplastic syndrome; Neoplastic Syndromes, Hereditary; Tumor predisposition. Identifiers: Orphanet 140162, MedGen C0027672, MeSH D009386, MONDO:0015356.
Hereditary nonpolyposis colorectal neoplasms. Identifiers: MedGen C0009405, MeSH D003123.

Submissions (5):

Myriad Genetics, Inc.
Classification: Benign for Lynch syndrome 5. Last evaluated: 2025-01-08. Review status: criteria provided, single submitter. Criteria: Myriad Autosomal Dominant, Autosomal Recessive and X-Linked Classification Criteria (2023). Collection method: clinical testing. Allele origin: unknown.
Comment: This variant is considered benign. This variant is a silent/synonymous amino acid change and it is not expected to impact splicing.

Labcorp Genetics (formerly Invitae), Labcorp
Classification: Likely benign for Hereditary nonpolyposis colorectal neoplasms. Last evaluated: 2024-04-11. Review status: criteria provided, single submitter. Criteria: Invitae Variant Classification Sherloc (09022015). Collection method: clinical testing. Allele origin: germline.

Ambry Genetics
Classification: Likely benign for Hereditary cancer-predisposing syndrome. Last evaluated: 2022-05-04. Review status: criteria provided, single submitter. Criteria: Ambry Variant Classification Scheme 2023. Collection method: clinical testing. Allele origin: germline.

Color Diagnostics, LLC DBA Color Health
Classification: Likely benign for Hereditary cancer-predisposing syndrome. Last evaluated: 2017-12-11. Review status: criteria provided, single submitter. Criteria: ACMG Guidelines, 2015. Collection method: clinical testing. Allele origin: germline.

GeneDx
Classification: Likely benign. Last evaluated: 2016-04-29. Review status: criteria provided, single submitter. Criteria: GeneDx Variant Classification (06012015). Collection method: clinical testing. Allele origin: germline. Affected: yes.
Comment: This variant is considered likely benign or benign based on one or more of the following criteria: it is a conservative change, it occurs at a poorly conserved position in the protein, it is predicted to be benign by multiple in silico algorithms, and/or has population frequency not consistent with disease.

NM_000179.3(MSH6):c.3915T>C (p.Leu1305=)

Gene: MSH6 (mutS homolog 6; plus strand). Cytogenetic location: 2p16.3.
Variant type: single nucleotide variant.
Coding change: c.3915T>C on transcript NM_000179.3 (MANE Select); coding-DNA position 3915, T replaced by C.
Protein change: p.Leu1305=; no amino-acid change (leucine 1305 retained).
Molecular consequence: synonymous variant.
Genome position (GRCh38, 1-based): chr2:47,806,565, T>C. VCF-style: chr2-47806565-T-C. GRCh37 (hg19) VCF-style: chr2-48033704-T-C.
Other names: c.3525T>C, p.Leu1175= (NM_001281492.2); c.3009T>C, p.Leu1003= (NM_001281493.2, NM_001281494.2).
Identifiers: ClinVar variation 385876 (VCV000385876.14), dbSNP rs1057522349, ClinGen allele CA16604305.